The following is an entry in ClinVar:

ClinVar aggregate classification (germline): Uncertain significance. Review status: criteria provided, single submitter (1 of 4 stars). 2 submissions from 2 submitters: Uncertain significance (1). 1 of the submissions does not count toward it. Last evaluated 2025-12-10.

Conditions:
Hereditary cancer-predisposing syndrome. Also called: Tumor predisposition; Hereditary Cancer Syndrome; Hereditary neoplastic syndrome; Neoplastic Syndromes, Hereditary. Identifiers: Orphanet 140162, MedGen C0027672, MeSH D009386, MONDO:0015356.
Familial colorectal cancer. Identifiers: MedGen CN280943, MONDO:0023113. Disease mechanism: loss of function.

Submissions (2):

Ambry Genetics
Classification: Uncertain significance for Hereditary cancer-predisposing syndrome. Last evaluated: 2025-12-10. Review status: criteria provided, single submitter. Criteria: Ambry Variant Classification Scheme 2023. Collection method: clinical testing. Allele origin: germline.
Comment: The p.S837A variant (also known as c.2509T>G), located in coding exon 15 of the APC gene, results from a T to G substitution at nucleotide position 2509. The serine at codon 837 is replaced by alanine, an amino acid with similar properties. This amino acid position is well conserved in available vertebrate species. In addition, in silico predictors for this gene do not accurately predict pathogenicity. Missense variants in APC are not a common cause of disease (Spier I et al. Genet Med. 2024 Feb;26(2):100992). Based on the available evidence, the clinical significance of this variant remains unclear.

Systems Biology Platform Zhejiang California International NanoSystems Institute
Classification: other for Familial colorectal cancer. Review status: no assertion criteria provided. Collection method: not provided. Allele origin: unknown. Not counted in ClinVar's aggregate classification.
ClinVar note: Converted during submission from cancer to other.

NM_000038.6(APC):c.2509T>G (p.Ser837Ala)

Gene: APC (APC regulator of Wnt signaling pathway; plus strand). Cytogenetic location: 5q22.2.
Variant type: single nucleotide variant.
Coding change: c.2509T>G on transcript NM_000038.6 (MANE Select); coding-DNA position 2509, T replaced by G.
Protein change: p.Ser837Ala; replaces serine 837 with alanine.
Molecular consequence: missense variant.
Genome position (GRCh38, 1-based): chr5:112,838,103, T>G. VCF-style: chr5-112838103-T-G. GRCh37 (hg19) VCF-style: chr5-112173800-T-G.
Other names: c.2509T>G, p.Ser837Ala (NM_001127510.3, NM_001354895.2); c.2455T>G, p.Ser819Ala (NM_001127511.3); c.2563T>G, p.Ser855Ala (NM_001354896.2); c.2539T>G, p.Ser847Ala (NM_001354897.2); c.2434T>G, p.Ser812Ala (NM_001354898.2); c.2425T>G, p.Ser809Ala (NM_001354899.2); c.2386T>G, p.Ser796Ala (NM_001354900.2); c.2332T>G, p.Ser778Ala (NM_001354901.2); and 6 more; short protein forms S819A, S837A, S736A, S778A, S554A, S711A, S796A, S809A.
Identifiers: ClinVar variation 83237 (VCV000083237.3), dbSNP rs79634147, ClinGen allele CA007536.
Genomic context (GRCh38, chr5:112,838,103, plus strand): 5'-GGCAACATGACTGTCCTTTCACCATATTTGAATACTACAGTGTTACCCAGCTCCTCTTCA[T>G]CAAGAGGAAGCTTAGATAGTTCTCGTTCTGAAAAAGATAGAAGTTTGGAGAGAGAACGCG-3'
Protein context (NP_000029.2, residues 827-847): NTTVLPSSSS[Ser837Ala]RGSLDSSRSE